The following is an entry in ClinVar:

ClinVar aggregate classification (germline): Uncertain significance (1 of 4 stars; one submission).

Submission:

Labcorp Genetics (formerly Invitae), Labcorp
Classification: Uncertain significance. Last evaluated: 2025-10-01. Review status: criteria provided, single submitter. Criteria: Invitae Variant Classification Sherloc (09022015). Collection method: clinical testing. Allele origin: germline.
Comment: This sequence change replaces aspartic acid, which is acidic and polar, with valine, which is neutral and non-polar, at codon 1987 of the FAT4 protein (p.Asp1987Val). This variant is not present in population databases (gnomAD no frequency). This variant has not been reported in the literature in individuals affected with FAT4-related conditions. Invitae Evidence Modeling of protein sequence and biophysical properties (such as structural, functional, and spatial information, amino acid conservation, physicochemical variation, residue mobility, and thermodynamic stability) has been performed for this missense variant. However, the output from this modeling did not meet the statistical confidence thresholds required to predict the impact of this variant on FAT4 protein function. In summary, the available evidence is currently insufficient to determine the role of this variant in disease. Therefore, it has been classified as a Variant of Uncertain Significance.

NM_001291303.3(FAT4):c.5960A>T (p.Asp1987Val)

Gene: FAT4 (FAT atypical cadherin 4; plus strand). Cytogenetic location: 4q28.1.
Variant type: single nucleotide variant.
Coding change: c.5960A>T on transcript NM_001291303.3 (MANE Select); coding-DNA position 5960, A replaced by T.
Protein change: p.Asp1987Val; replaces aspartic acid 1987 with valine.
Molecular consequence: missense variant.
Genome position (GRCh38, 1-based): chr4:125,414,923, A>T. VCF-style: chr4-125414923-A-T. GRCh37 (hg19) VCF-style: chr4-126336078-A-T.
Other names: c.5960A>T, p.Asp1987Val (NM_001291285.3, NM_001438396.1, NM_001438397.1 and 1 more transcripts); c.731A>T, p.Asp244Val (NM_001437895.1); short protein forms D1987V, D244V.
Identifiers: ClinVar variation 4744611 (VCV004744611.1).